The following is an entry in ClinVar:

ClinVar aggregate classification (germline): Uncertain significance (1 of 4 stars; one submission).

Allele frequency attached by ClinVar (database versions not stated): gnomAD exomes below 0.00001; TOPMed below 0.00001.
gnomAD v4.1: 4 of 1,613,916 alleles (0.00025%); highest among the groups gnomAD compares: Non-Finnish European, 0.00034%; no homozygotes.

Submission:

Labcorp Genetics (formerly Invitae), Labcorp
Classification: Uncertain significance. Last evaluated: 2022-09-13. Review status: criteria provided, single submitter. Criteria: Invitae Variant Classification Sherloc (09022015). Collection method: clinical testing. Allele origin: germline.
Comment: This variant is not present in population databases (gnomAD no frequency). This variant has not been reported in the literature in individuals affected with JAK1-related conditions. ClinVar contains an entry for this variant (Variation ID: 1025029). Advanced modeling of protein sequence and biophysical properties (such as structural, functional, and spatial information, amino acid conservation, physicochemical variation, residue mobility, and thermodynamic stability) has been performed at Invitae for this missense variant, however the output from this modeling did not meet the statistical confidence thresholds required to predict the impact of this variant on JAK1 protein function. In summary, the available evidence is currently insufficient to determine the role of this variant in disease. Therefore, it has been classified as a Variant of Uncertain Significance. This sequence change replaces glutamic acid, which is acidic and polar, with lysine, which is basic and polar, at codon 897 of the JAK1 protein (p.Glu897Lys).

NM_002227.4(JAK1):c.2689G>A (p.Glu897Lys)

Gene: JAK1 (Janus kinase 1; minus strand). Cytogenetic location: 1p31.3.
Variant type: single nucleotide variant.
Coding change: c.2689G>A on transcript NM_002227.4 (MANE Select); coding-DNA position 2689, G replaced by A.
Protein change: p.Glu897Lys; replaces glutamic acid 897 with lysine.
Molecular consequence: missense variant.
Genome position (GRCh38, 1-based): chr1:64,839,756, C>T on the plus strand (G>A on the coding strand, the complement: JAK1 is on the minus strand). VCF-style: chr1-64839756-C-T. GRCh37 (hg19) VCF-style: chr1-65305439-C-T.
Other names: c.2689G>A, p.Glu897Lys (NM_001320923.2, NM_001321852.2, NM_001321853.2 and 3 more transcripts); c.2686G>A, p.Glu896Lys (NM_001321857.2); short protein forms E896K, E897K.
Identifiers: ClinVar variation 1025029 (VCV001025029.8), dbSNP rs1654769285, ClinGen allele CA340665377.